The following is an entry in ClinVar:

NM_001270.4(CHD1):c.4788-15A>G

Gene: CHD1 (chromodomain helicase DNA binding protein 1; minus strand). Cytogenetic location: 5q15.
Variant type: single nucleotide variant.
Coding change: c.4788-15A>G on transcript NM_001270.4 (MANE Select); 15 bases into the intron before coding-DNA position 4788, A replaced by G.
Molecular consequence: intron variant.
Genome position (GRCh38, 1-based): chr5:98,856,740, T>C on the plus strand (A>G on the coding strand, the complement: CHD1 is on the minus strand). VCF-style: chr5-98856740-T-C. GRCh37 (hg19) VCF-style: chr5-98192444-T-C.
Other names: NC_000005.9:g.98192444T>C; c.4788-15A>G (NM_001376194.2); c.5052-15A>G (NM_001364113.3).
Identifiers: ClinVar variation 4319351 (VCV004319351.5).
Genomic context (GRCh38, chr5:98,856,740, plus strand): 5'-CCTGTGATCATCCAGTTTTCTGTGTTTCTCTCTGTCACTGTAATATCTAATAAAGAAAAA[T>C]TGAGAATTTTAGACAAATCATGCAAATTAAAATGTTTCCAAATAAAAGATAACTAAAAAA-3'

ClinVar aggregate classification (germline): Likely benign (1 of 4 stars; one submission).

gnomAD v4.1: 186 of 1,499,390 alleles (0.012%); highest among the groups gnomAD compares: Non-Finnish European, 0.014%; no homozygotes.

Submissions (2):

CeGaT Center for Human Genetics Tuebingen
Classification: Likely benign. Last evaluated: 2026-02-01. Review status: criteria provided, single submitter. Criteria: CeGaT Center For Human Genetics Tuebingen Variant Classification Criteria Version 2. Collection method: clinical testing. Allele origin: germline. Affected: yes. Observed: 1 variant allele.
Comment: CHD1: PP3, BS2

Dr. Peter K. Rogan Lab, Western University
No classification provided (evidence only). Condition: Familial cancer of breast. Review status: no classification provided. Collection method: in vitro. Allele origin: not applicable. Functional consequence: retained intron. Not counted in ClinVar's aggregate classification.